The following is an entry in ClinVar:

NM_002693.3(POLG):c.3136G>C (p.Glu1046Gln)

Gene: POLG (DNA polymerase gamma, catalytic subunit; minus strand). Cytogenetic location: 15q26.1.
Variant type: single nucleotide variant.
Coding change: c.3136G>C on transcript NM_002693.3 (MANE Select); coding-DNA position 3136, G replaced by C.
Protein change: p.Glu1046Gln; replaces glutamic acid 1046 with glutamine.
Molecular consequence: missense variant.
Genome position (GRCh38, 1-based): chr15:89,319,068, C>G on the plus strand (G>C on the coding strand, the complement: POLG is on the minus strand). VCF-style: chr15-89319068-C-G. GRCh37 (hg19) VCF-style: chr15-89862299-C-G.
Other names: c.3136G>C, p.Glu1046Gln (NM_001126131.2); short protein forms E1046Q.
Identifiers: ClinVar variation 2824099 (VCV002824099.3), dbSNP rs2509208018, ClinGen allele CA393751088.

ClinVar aggregate classification (germline): Uncertain significance (1 of 4 stars; one submission).

Conditions:
Progressive sclerosing poliodystrophy (MTDPS4A). Also called: ALPERS PROGRESSIVE INFANTILE POLIODYSTROPHY; NEURONAL DEGENERATION OF CHILDHOOD WITH LIVER DISEASE, PROGRESSIVE; Alpers Syndrome; ALPERS DIFFUSE DEGENERATION OF CEREBRAL GRAY MATTER WITH HEPATIC CIRRHOSIS; Alpers-Huttenlocher Syndrome; Mitochondrial DNA Depletion Syndrome 4A. Identifiers: Orphanet 726, MedGen C0205710, MONDO:0008758, OMIM 203700.

Submission:

Labcorp Genetics (formerly Invitae), Labcorp
Classification: Uncertain significance for Progressive sclerosing poliodystrophy. Last evaluated: 2022-12-25. Review status: criteria provided, single submitter. Criteria: Invitae Variant Classification Sherloc (09022015). Collection method: clinical testing. Allele origin: germline.
Comment: In summary, the available evidence is currently insufficient to determine the role of this variant in disease. Therefore, it has been classified as a Variant of Uncertain Significance. Advanced modeling of protein sequence and biophysical properties (such as structural, functional, and spatial information, amino acid conservation, physicochemical variation, residue mobility, and thermodynamic stability) performed at Invitae indicates that this missense variant is not expected to disrupt POLG protein function. This variant has not been reported in the literature in individuals affected with POLG-related conditions. This variant is not present in population databases (gnomAD no frequency). This sequence change replaces glutamic acid, which is acidic and polar, with glutamine, which is neutral and polar, at codon 1046 of the POLG protein (p.Glu1046Gln).